The following is an entry in ClinVar:

NM_001160372.4(TRAPPC9):c.1625A>G (p.His542Arg)

Gene: TRAPPC9 (trafficking protein particle complex subunit 9; minus strand). Cytogenetic location: 8q24.3.
Variant type: single nucleotide variant.
Coding change: c.1625A>G on transcript NM_001160372.4 (MANE Select); coding-DNA position 1625, A replaced by G.
Protein change: p.His542Arg; replaces histidine 542 with arginine.
Molecular consequence: missense variant. On other transcripts: non-coding transcript variant (1).
Genome position (GRCh38, 1-based): chr8:140,300,612, T>C on the plus strand (A>G on the coding strand, the complement: TRAPPC9 is on the minus strand). VCF-style: chr8-140300612-T-C. GRCh37 (hg19) VCF-style: chr8-141310711-T-C.
Other names: c.1598A>G, p.His533Arg (NM_001321646.2); c.1646A>G, p.His549Arg (NM_001374682.1); c.1625A>G, p.His542Arg (NM_001374683.1, NM_031466.8); c.1481A>G, p.His494Arg (NM_001374684.1); short protein forms H494R, H533R, H542R, H549R.
Identifiers: ClinVar variation 1034112 (VCV001034112.1), dbSNP rs149274458, ClinGen allele CA4893376.

ClinVar aggregate classification (germline): Uncertain significance (1 of 4 stars; one submission).

Conditions:
Intellectual developmental disorder, autosomal recessive 13. Also called: Intellectual disability, autosomal recessive 13. Identifiers: Orphanet 88616, MedGen C2750791, MONDO:0013173, OMIM 613192.

Allele frequency attached by ClinVar (database versions not stated): gnomAD 0.00001; ExAC 0.00002; gnomAD exomes 0.00003 and 0.00002; TOPMed 0.00006; ESP Exome Variant Server 0.00008.
gnomAD v4.1: 41 of 1,614,138 alleles (0.0025%); highest among the groups gnomAD compares: Non-Finnish European, 0.0034%; no homozygotes.

Submission:

Baylor Genetics
Classification: Uncertain significance for Intellectual developmental disorder, autosomal recessive 13. Last evaluated: 2018-09-26. Review status: criteria provided, single submitter. Criteria: ACMG Guidelines, 2015. Collection method: clinical testing. Allele origin: maternal. Affected: yes.
Comment: This variant was determined to be of uncertain significance according to ACMG Guidelines, 2015 [PMID:25741868].